The following is an entry in ClinVar:

NM_001367624.2(ZNF469):c.10132G>C (p.Gly3378Arg)

Gene: ZNF469 (zinc finger protein 469; plus strand). Cytogenetic location: 16q24.2.
Variant type: single nucleotide variant.
Coding change: c.10132G>C on transcript NM_001367624.2 (MANE Select); coding-DNA position 10132, G replaced by C.
Protein change: p.Gly3378Arg; replaces glycine 3378 with arginine.
Molecular consequence: missense variant.
Genome position (GRCh38, 1-based): chr16:88,437,602, G>C. VCF-style: chr16-88437602-G-C. GRCh37 (hg19) VCF-style: chr16-88504010-G-C.
Other names: NM_001127464.1:c.10048G>C; NM_001127464.2:c.10048G>C; short protein forms G3378R.
Identifiers: ClinVar variation 1431424 (VCV001431424.9), dbSNP rs192272765, ClinGen allele CA8225476.

ClinVar aggregate classification (germline): Conflicting classifications of pathogenicity. Review status: criteria provided, conflicting classifications (1 of 4 stars). 3 submissions from 3 submitters: Uncertain significance (2); Likely benign (1). Last evaluated 2026-07-13.

Conditions:
ZNF469-related disorder. Also called: ZNF469-related condition.
Cardiovascular phenotype. Identifiers: MedGen CN230736.

Allele frequency attached by ClinVar (database versions not stated): ExAC 0.00009; gnomAD exomes 0.00012; 1000 Genomes Project 0.00060; 1000 Genomes Project 30x 0.00078.
gnomAD v4.1: 70 of 1,537,322 alleles (0.0046%); highest among the groups gnomAD compares: East Asian, 0.082%; no homozygotes.

Submissions (3):

PreventionGenetics, part of Exact Sciences
Classification: Uncertain significance for ZNF469-related condition. Last evaluated: 2026-07-13. Review status: criteria provided, single submitter. Criteria: ACMG Guidelines, 2015. Collection method: clinical testing. Allele origin: germline.
Comment: The ZNF469 c.10048G>C variant is predicted to result in the amino acid substitution p.Gly3350Arg. This variant was previously reported in a cohort of individuals with keratoconus (Yu et al. 2017. PubMed ID: 28484309). However, this variant is reported in 0.13% of alleles in individuals of East Asian descent in gnomAD, which may be too frequent to be a primary cause of disease. Although we suspect that this variant may be benign, at this time, the clinical significance of this variant is uncertain due to the absence of conclusive functional and genetic evidence.

Labcorp Genetics (formerly Invitae), Labcorp
Classification: Uncertain significance. Last evaluated: 2025-01-20. Review status: criteria provided, single submitter. Criteria: Invitae Variant Classification Sherloc (09022015). Collection method: clinical testing. Allele origin: germline.
Comment: This sequence change replaces glycine, which is neutral and non-polar, with arginine, which is basic and polar, at codon 3350 of the ZNF469 protein (p.Gly3350Arg). This variant is present in population databases (rs192272765, gnomAD 0.1%). This variant has not been reported in the literature in individuals affected with ZNF469-related conditions. ClinVar contains an entry for this variant (Variation ID: 1431424). An algorithm developed to predict the effect of missense changes on protein structure and function outputs the following: PolyPhen-2: "Benign". The arginine amino acid residue is found in multiple mammalian species, which suggests that this missense change does not adversely affect protein function. In summary, the available evidence is currently insufficient to determine the role of this variant in disease. Therefore, it has been classified as a Variant of Uncertain Significance.

Ambry Genetics
Classification: Likely benign for Cardiovascular phenotype. Last evaluated: 2020-03-09. Review status: criteria provided, single submitter. Criteria: Ambry Variant Classification Scheme 2023. Collection method: clinical testing. Allele origin: germline.